The following is an entry in ClinVar:

NM_015295.3(SMCHD1):c.5042C>T (p.Thr1681Ile)

Gene: SMCHD1 (structural maintenance of chromosomes flexible hinge domain containing 1; plus strand). Cytogenetic location: 18p11.32.
Variant type: single nucleotide variant.
Coding change: c.5042C>T on transcript NM_015295.3 (MANE Select); coding-DNA position 5042, C replaced by T.
Protein change: p.Thr1681Ile; replaces threonine 1681 with isoleucine.
Molecular consequence: missense variant.
Genome position (GRCh38, 1-based): chr18:2,771,608, C>T. VCF-style: chr18-2771608-C-T. GRCh37 (hg19) VCF-style: chr18-2771606-C-T.
Other names: short protein forms T1681I.
Identifiers: ClinVar variation 2793466 (VCV002793466.3), dbSNP rs2510150812, ClinGen allele CA401682788.

ClinVar aggregate classification (germline): Uncertain significance (1 of 4 stars; one submission).

Conditions:
Facioscapulohumeral muscular dystrophy 2 (FSHD2). Also called: MUSCULAR DYSTROPHY, FACIOSCAPULOHUMERAL, TYPE 1B; FACIOSCAPULOHUMERAL MUSCULAR DYSTROPHY 2, DIGENIC; FSHD2, DIGENIC. Identifiers: Orphanet 269, MedGen C1834671, MONDO:0008031, OMIM 158901.

Submission:

Labcorp Genetics (formerly Invitae), Labcorp
Classification: Uncertain significance for Facioscapulohumeral muscular dystrophy 2. Last evaluated: 2023-09-27. Review status: criteria provided, single submitter. Criteria: Invitae Variant Classification Sherloc (09022015). Collection method: clinical testing. Allele origin: germline.
Comment: In summary, the available evidence is currently insufficient to determine the role of this variant in disease. Therefore, it has been classified as a Variant of Uncertain Significance. This variant is not present in population databases (gnomAD no frequency). This variant has not been reported in the literature in individuals affected with SMCHD1-related conditions. Advanced modeling of protein sequence and biophysical properties (such as structural, functional, and spatial information, amino acid conservation, physicochemical variation, residue mobility, and thermodynamic stability) performed at Invitae indicates that this missense variant is not expected to disrupt SMCHD1 protein function. This sequence change replaces threonine, which is neutral and polar, with isoleucine, which is neutral and non-polar, at codon 1681 of the SMCHD1 protein (p.Thr1681Ile).